The following is an entry in ClinVar:

ClinVar aggregate classification (germline): Pathogenic (1 of 4 stars; one submission).

Conditions:
Hypogonadotropic hypogonadism 26 with or without anosmia (HH26). Identifiers: MedGen C5676903, MONDO:0030534, OMIM 619718.

Submission:

Clinical Genetics Laboratory, University Hospital Schleswig-Holstein
Classification: Pathogenic for Hypogonadotropic hypogonadism 26 with or without anosmia. Last evaluated: 2025-10-02. Review status: criteria provided, single submitter. Criteria: ACMG Guidelines, 2015. Collection method: clinical testing. Allele origin: de novo. Affected: yes. Observed: 1 heterozygote.
Comment: ACMG criteria applied: PM2, PVS1, PS2_Moderate

NM_207037.2(TCF12):c.1514C>A (p.Ser505Ter)

Gene: TCF12 (transcription factor 12; plus strand). Cytogenetic location: 15q21.3.
Variant type: single nucleotide variant.
Coding change: c.1514C>A on transcript NM_207037.2 (MANE Select); coding-DNA position 1514, C replaced by A.
Protein change: p.Ser505Ter; replaces serine 505 with a stop codon.
Molecular consequence: nonsense.
Genome position (GRCh38, 1-based): chr15:57,262,140, C>A. VCF-style: chr15-57262140-C-A. GRCh37 (hg19) VCF-style: chr15-57554338-C-A.
Other names: c.1004C>A, p.Ser335Ter (NM_001306219.3); c.734C>A, p.Ser245Ter (NM_001306220.3); c.1514C>A, p.Ser505Ter (NM_001322151.2, NM_001322152.2, NM_001322159.3 and 2 more transcripts); c.857C>A, p.Ser286Ter (NM_001322154.2); c.1340C>A, p.Ser447Ter (NM_001322156.2); c.1442C>A, p.Ser481Ter (NM_001322157.3, NM_001322165.2, NM_003205.4 and 1 more transcripts); c.1268C>A, p.Ser423Ter (NM_001322158.2); c.1511C>A, p.Ser504Ter (NM_001322161.2); and 2 more; short protein forms S245*, S286*, S311*, S335*, S423*, S447*, S481*, S493*.
Identifiers: ClinVar variation 4891258 (VCV004891258.1).
Genomic context (GRCh38, chr15:57,262,140, plus strand): 5'-TTCCTTAACTTTAGGTTGGAACTCATCGGGAAGACTCTGTCAGTCTCAATGGCAATCATT[C>A]AGTCCTGTCTAGTACAGTCACTACTTCAAGCACAGACCTGAACCATAAAACACAAGAAAA-3'